The following is an entry in ClinVar:

NM_000092.5(COL4A4):c.2780G>T (p.Gly927Val)

Gene: COL4A4 (collagen type IV alpha 4 chain; minus strand). Cytogenetic location: 2q36.3.
Variant type: single nucleotide variant.
Coding change: c.2780G>T on transcript NM_000092.5 (MANE Select); coding-DNA position 2780, G replaced by T.
Protein change: p.Gly927Val; replaces glycine 927 with valine.
Molecular consequence: missense variant.
Genome position (GRCh38, 1-based): chr2:227,054,674, C>A on the plus strand (G>T on the coding strand, the complement: COL4A4 is on the minus strand). VCF-style: chr2-227054674-C-A. GRCh37 (hg19) VCF-style: chr2-227919390-C-A.
Other names: short protein forms G927V.
Identifiers: ClinVar variation 4817317 (VCV004817317.1).

ClinVar aggregate classification (germline): Likely pathogenic (1 of 4 stars; one submission).

Conditions:
Alport syndrome. Also called: Hemorrhagic familial nephritis; Hemorrhagic hereditary nephritis; Congenital hereditary hematuria. Identifiers: Orphanet 63, MedGen C1567741, MONDO:0018965.

Submission:

Natera, Inc.
Classification: Likely pathogenic for Alport syndrome. Last evaluated: 2025-09-04. Review status: criteria provided, single submitter. Criteria: Natera Variant Classification Schema (03/2026). Collection method: clinical testing. Allele origin: germline.
Comment: The c.2780G>T variant in COL4A4 is a missense variant predicted to cause substitution of glycine to valine at amino acid 927. This variant is rare in the general population with a frequency below the threshold expected for the associated phenotype(s). This variant is located in a functionally critical region of the protein. Computational prediction algorithms indicate this variant is likely to affect gene or protein function. Given the available evidence, this variant is classified as Likely Pathogenic.